The following is an entry in ClinVar:

ClinVar aggregate classification (germline): Uncertain significance (1 of 4 stars; one submission).

gnomAD v4.1: 1 of 1,614,048 alleles (0.000062%); highest among the groups gnomAD compares: Admixed American, 0.0017%; no homozygotes.

Submission:

Labcorp Genetics (formerly Invitae), Labcorp
Classification: Uncertain significance. Last evaluated: 2024-05-29. Review status: criteria provided, single submitter. Criteria: Invitae Variant Classification Sherloc (09022015). Collection method: clinical testing. Allele origin: germline.
Comment: This sequence change replaces valine, which is neutral and non-polar, with leucine, which is neutral and non-polar, at codon 567 of the DHX32 protein (p.Val567Leu). This variant is not present in population databases (gnomAD no frequency). This variant has not been reported in the literature in individuals affected with DHX32-related conditions. An algorithm developed to predict the effect of missense changes on protein structure and function (PolyPhen-2) suggests that this variant is likely to be tolerated. In summary, the available evidence is currently insufficient to determine the role of this variant in disease. Therefore, it has been classified as a Variant of Uncertain Significance.

NM_018180.3(DHX32):c.1699G>T (p.Val567Leu)

Genes: BCCIP (BRCA2 and CDKN1A interacting protein; plus strand), DHX32 (DEAH-box helicase 32 (putative); minus strand). Cytogenetic location: 10q26.2.
Variant type: single nucleotide variant.
Coding change: c.1699G>T on transcript NM_018180.3 (MANE Select); coding-DNA position 1699, G replaced by T.
Protein change: p.Val567Leu; replaces valine 567 with leucine.
Molecular consequence: missense variant. On other transcripts: intron variant (2).
Genome position (GRCh38, 1-based): chr10:125,839,183, C>A on the plus strand (G>T on the coding strand, the complement: DHX32 is on the minus strand). VCF-style: chr10-125839183-C-A. GRCh37 (hg19) VCF-style: chr10-127527752-C-A.
Other names: c.775-2072C>A (NM_016567.4, NM_078469.3); short protein forms V567L.
Identifiers: ClinVar variation 3619767 (VCV003619767.2).
Genomic context (GRCh38, chr10:125,839,183, plus strand): 5'-TAACATCTGCCATTCTGAGTGCTGAACAGTTGAGGAAGTAATCACGACACCACTTTTCCA[C>A]ACAGTCTAGGAGGGAAAGAACACAAGGCTATTTAGAAATGATTTGTCAGAAGCTCTGAAG-3'
Protein context (NP_060650.2, residues 557-577): TTLNSSSEYC[Val567Leu]EKWCRDYFLN